The following is an entry in ClinVar:

ClinVar aggregate classification (germline): Uncertain significance. Review status: criteria provided, multiple submitters, no conflicts (2 of 4 stars). 2 submissions from 2 submitters: Uncertain significance (2). Last evaluated 2026-08-24.

Conditions:
DICER1-related tumor predisposition. Also called: DICER1 syndrome; DICER1-related pleuropulmonary blastoma cancer predisposition syndrome. Identifiers: Orphanet 284343, MedGen C3839822, MONDO:0100216.
Hereditary cancer-predisposing syndrome. Also called: Neoplastic Syndromes, Hereditary; Hereditary Cancer Syndrome; Hereditary neoplastic syndrome; Tumor predisposition. Identifiers: Orphanet 140162, MedGen C0027672, MeSH D009386, MONDO:0015356.

Submissions (2):

Ambry Genetics
Classification: Uncertain significance for Hereditary cancer-predisposing syndrome. Last evaluated: 2026-08-24. Review status: criteria provided, single submitter. Criteria: Ambry Variant Classification Scheme 2023. Collection method: clinical testing. Allele origin: germline.
Comment: The p.C214Y variant (also known as c.641G>A), located in coding exon 5 of the DICER1 gene, results from a G to A substitution at nucleotide position 641. The cysteine at codon 214 is replaced by tyrosine, an amino acid with highly dissimilar properties. This amino acid position is highly conserved in available vertebrate species. In addition, this alteration is predicted to be deleterious by in silico analysis. Based on the available evidence, the clinical significance of this variant remains unclear.

Labcorp Genetics (formerly Invitae), Labcorp
Classification: Uncertain significance for DICER1-related tumor predisposition. Last evaluated: 2025-05-27. Review status: criteria provided, single submitter. Criteria: Invitae Variant Classification Sherloc (09022015). Collection method: clinical testing. Allele origin: germline.
Comment: This sequence change replaces cysteine, which is neutral and slightly polar, with tyrosine, which is neutral and polar, at codon 214 of the DICER1 protein (p.Cys214Tyr). This variant is not present in population databases (gnomAD no frequency). This variant has not been reported in the literature in individuals affected with DICER1-related conditions. ClinVar contains an entry for this variant (Variation ID: 660607). Invitae Evidence Modeling of protein sequence and biophysical properties (such as structural, functional, and spatial information, amino acid conservation, physicochemical variation, residue mobility, and thermodynamic stability) indicates that this missense variant is not expected to disrupt DICER1 protein function with a negative predictive value of 95%. In summary, the available evidence is currently insufficient to determine the role of this variant in disease. Therefore, it has been classified as a Variant of Uncertain Significance.

NM_177438.3(DICER1):c.641G>A (p.Cys214Tyr)

Gene: DICER1 (dicer 1, ribonuclease III; minus strand). Cytogenetic location: 14q32.13.
Variant type: single nucleotide variant.
Coding change: c.641G>A on transcript NM_177438.3 (MANE Select); coding-DNA position 641, G replaced by A.
Protein change: p.Cys214Tyr; replaces cysteine 214 with tyrosine.
Molecular consequence: missense variant.
Genome position (GRCh38, 1-based): chr14:95,129,565, C>T on the plus strand (G>A on the coding strand, the complement: DICER1 is on the minus strand). VCF-style: chr14-95129565-C-T. GRCh37 (hg19) VCF-style: chr14-95595902-C-T.
Other names: c.641G>A, p.Cys214Tyr (NM_001195573.1, NM_001271282.3, NM_001291628.2 and 1 more transcripts); short protein forms C214Y.
Identifiers: ClinVar variation 660607 (VCV000660607.11), dbSNP rs1595457082, ClinGen allele CA390888165.